The following is an entry in ClinVar:

ClinVar aggregate classification (germline): Conflicting classifications of pathogenicity. Review status: criteria provided, conflicting classifications (1 of 4 stars). 2 submissions from 2 submitters: Uncertain significance (1); Likely benign (1). Last evaluated 2025-12-03.

Conditions:
Cardiomyopathy (CMYO). Also called: Cardiomyopathies. Identifiers: Orphanet 167848, MedGen C0878544, MONDO:0004994, HP:0001638. Inheritance: Various modes of inheritance.
Catecholaminergic polymorphic ventricular tachycardia 1. Also called: VENTRICULAR TACHYCARDIA, CATECHOLAMINERGIC POLYMORPHIC, 1, WITH OR WITHOUT ATRIAL DYSFUNCTION AND/OR DILATED CARDIOMYOPATHY; VENTRICULAR TACHYCARDIA, STRESS-INDUCED POLYMORPHIC 1; RYR2-Related Catecholaminergic Polymorphic Ventricular Tachycardia. Identifiers: Orphanet 3286, MedGen C1631597, MONDO:0011484, OMIM 604772.

Allele frequency attached by ClinVar (database versions not stated): gnomAD exomes 0.00001.
gnomAD v4.1: 8 of 1,592,044 alleles (0.0005%); highest among the groups gnomAD compares: Non-Finnish European, 0.00068%; no homozygotes.

Submissions (2):

Labcorp Genetics (formerly Invitae), Labcorp
Classification: Uncertain significance for Catecholaminergic polymorphic ventricular tachycardia 1. Last evaluated: 2025-12-03. Review status: criteria provided, single submitter. Criteria: Invitae Variant Classification Sherloc (09022015). Collection method: clinical testing. Allele origin: germline.
Comment: This sequence change falls in intron 62 of the RYR2 gene. It does not directly change the encoded amino acid sequence of the RYR2 protein. It affects a nucleotide within the consensus splice site. This variant is not present in population databases (gnomAD no frequency). This variant has not been reported in the literature in individuals affected with RYR2-related conditions. ClinVar contains an entry for this variant (Variation ID: 927206). Variants that disrupt the consensus splice site are a relatively common cause of aberrant splicing (PMID: 17576681, 9536098). Algorithms developed to predict the effect of sequence changes on RNA splicing suggest that this variant is not likely to affect RNA splicing. In summary, the available evidence is currently insufficient to determine the role of this variant in disease. Therefore, it has been classified as a Variant of Uncertain Significance.

Color Diagnostics, LLC DBA Color Health
Classification: Likely benign for Cardiomyopathy. Last evaluated: 2019-05-02. Review status: criteria provided, single submitter. Criteria: ACMG Guidelines, 2015. Collection method: clinical testing. Allele origin: germline.

Literature cited by the submitters: PubMed 17576681 (cited by Labcorp Genetics (formerly Invitae), Labcorp); PubMed 9536098 (cited by Labcorp Genetics (formerly Invitae), Labcorp).

NM_001035.3(RYR2):c.9017+6C>T

Gene: RYR2 (ryanodine receptor 2; plus strand). Cytogenetic location: 1q43.
Variant type: single nucleotide variant.
Coding change: c.9017+6C>T on transcript NM_001035.3 (MANE Select); 6 bases into the intron after coding-DNA position 9017, C replaced by T.
Molecular consequence: intron variant.
Genome position (GRCh38, 1-based): chr1:237,680,583, C>T. VCF-style: chr1-237680583-C-T. GRCh37 (hg19) VCF-style: chr1-237843883-C-T.
Identifiers: ClinVar variation 927206 (VCV000927206.6), dbSNP rs1685786232, ClinGen allele CA913187853.